The following is an entry in ClinVar:

NM_000350.3(ABCA4):c.1903C>T (p.Gln635Ter)

Gene: ABCA4 (ATP binding cassette subfamily A member 4; minus strand). Cytogenetic location: 1p22.1.
Variant type: single nucleotide variant.
Coding change: c.1903C>T on transcript NM_000350.3 (MANE Select); coding-DNA position 1903, C replaced by T.
Protein change: p.Gln635Ter; replaces glutamine 635 with a stop codon.
Molecular consequence: nonsense.
Genome position (GRCh38, 1-based): chr1:94,062,611, G>A on the plus strand (C>T on the coding strand, the complement: ABCA4 is on the minus strand). VCF-style: chr1-94062611-G-A. GRCh37 (hg19) VCF-style: chr1-94528167-G-A.
Other names: c.1903C>T, p.Gln635Ter (NM_001425324.1); short protein forms Q635*.
Identifiers: ClinVar variation 99096 (VCV000099096.50), dbSNP rs61749414, ClinGen allele CA226949.

ClinVar aggregate classification (germline): Pathogenic. Review status: reviewed by expert panel (3 of 4 stars). 9 submissions from 8 submitters: Pathogenic (1). 8 of the submissions do not count toward it. Last evaluated 2026-07-28.

Conditions:
ABCA4-related retinopathy. Also called: ABCA4-related retinoapthy; ABCA4 retinoapthy. Identifiers: MedGen CN322612, MONDO:0800406.
ABCA4-related disorder. Also called: ABCA4-related condition; ABCA4-related disorders. Identifiers: MedGen CN239167.
Retinal dystrophy. Also called: Inherited retinal dystrophy. Identifiers: Orphanet 71862, MedGen C0854723, MeSH D058499, MONDO:0019118, HP:0000556.
Retinitis pigmentosa (RP). Identifiers: Orphanet 791, MedGen C0035334, MeSH D012174, MONDO:0019200, OMIM 268000. Inheritance: Autosomal dominant, autosomal recessive and X linked inheritance.
Severe early-childhood-onset retinal dystrophy (STGD1). Also called: MACULAR DYSTROPHY WITH FLECKS, TYPE 1; STGD; Stargardt macular dystrophy; Juvenile onset macular degeneration; Stargardt disease 1. Identifiers: Orphanet 364055, Orphanet 827, MedGen C1855465, MeSH D000080362, MONDO:0009549, OMIM 248200.

Allele frequency attached by ClinVar (database versions not stated): TOPMed below 0.00001; gnomAD 0.00001.
gnomAD v4.1: 4 of 1,614,042 alleles (0.00025%); highest among the groups gnomAD compares: Non-Finnish European, 0.00034%; no homozygotes.

Submissions (9):

ClinGen ABCA4 Variant Curation Expert Panel, Clingen
Classification: Pathogenic for ABCA4-related retinopathy. Last evaluated: 2026-07-28. Review status: reviewed by expert panel. Criteria: ClinGen ABCA4 ACMG Specifications V1.0.0. Collection method: curation. Allele origin: germline. Inheritance: Autosomal recessive inheritance.
Comment: The NM_000350.3(ABCA4):c.1903C>T, p.Gln635Ter variant in ABCA4 is a nonsense variant predicted to cause a premature stop codon in biologically relevant exon 13 of 50 leading to nonsense mediated decay in a gene in which loss-of-function is an established disease mechanism (PVS1). The total minor allele frequency in gnomAD v4.1.1 is 0.000002478 (4/1614042 alleles), which is lower than the ClinGen ABCA4 VCEP’s threshold for PM2_Supporting (<0.0001). The prevalence of the variant in affected individuals is significantly increased compared with the prevalence in controls with an OR of infinity and CI of 17.18 to infinity, which is above the ABCA4 VCEP threshold of ≥5, where the CI does not contain 1 (PS4; PMID: 35120629). In summary, this variant meets the criteria to be classified as pathogenic for ABCA4-related retinopathy based on the ACMG/AMP criteria applied, as specified by the ClinGen ABCA4 VCEP (Specification Version 1): PVS1, PS4, PM2_Supporting.

Women's Health and Genetics/Laboratory Corporation of America, LabCorp
Classification: Pathogenic for Retinitis pigmentosa. Last evaluated: 2024-11-07. Review status: criteria provided, single submitter. Criteria: LabCorp Variant Classification Summary - May 2015. Collection method: clinical testing. Allele origin: germline. Not counted in ClinVar's aggregate classification.
Comment: Variant summary: ABCA4 c.1903C>T (p.Gln635X) results in a premature termination codon, predicted to cause a truncation of the encoded protein or absence of the protein due to nonsense mediated decay, which are commonly known mechanisms for disease. The frequency data for this variant in gnomAD is considered unreliable, as metrics indicate poor data quality at this position. c.1903C>T has been reported in the literature in individuals affected with Stargardt disease, conerod dystrophy or sporadic retinitis pigmentosa (Rivera_2000, Weisschuh_2020). These data indicate that the variant is likely to be associated with disease. To our knowledge, no experimental evidence demonstrating an impact on protein function has been reported. The following publications have been ascertained in the context of this evaluation (PMID: 10958763, 32531858). ClinVar contains an entry for this variant (Variation ID: 99096). Based on the evidence outlined above, the variant was classified as pathogenic.

Blueprint Genetics
Classification: Pathogenic for ABCA4-related disorders. Last evaluated: 2024-06-20. Review status: criteria provided, single submitter. Criteria: ACMG Guidelines, 2015. Collection method: clinical testing. Allele origin: germline. Affected: yes. Observed: 5 variant alleles. Not counted in ClinVar's aggregate classification.

Labcorp Genetics (formerly Invitae), Labcorp
Classification: Pathogenic. Last evaluated: 2024-02-06. Review status: criteria provided, single submitter. Criteria: Invitae Variant Classification Sherloc (09022015). Collection method: clinical testing. Allele origin: germline. Not counted in ClinVar's aggregate classification.
Comment: This sequence change creates a premature translational stop signal (p.Gln635*) in the ABCA4 gene. It is expected to result in an absent or disrupted protein product. Loss-of-function variants in ABCA4 are known to be pathogenic (PMID: 10958761, 24938718, 25312043, 26780318). This variant is not present in population databases (gnomAD no frequency). This premature translational stop signal has been observed in individual(s) with ABCA4-related conditions (PMID: 10958763, 28559085, 29555955, 32531858). ClinVar contains an entry for this variant (Variation ID: 99096). For these reasons, this variant has been classified as Pathogenic.

Institute of Human Genetics, Univ. Regensburg, Univ. Regensburg
Classification: Pathogenic for Retinal dystrophy. Last evaluated: 2022-01-01. Review status: criteria provided, single submitter. Criteria: ACMG Guidelines, 2015. Collection method: clinical testing. Allele origin: germline. Affected: yes. Not counted in ClinVar's aggregate classification.

Institute of Medical Molecular Genetics, University of Zurich
Classification: Likely pathogenic for Severe early-childhood-onset retinal dystrophy. Last evaluated: 2021-01-30. Review status: criteria provided, single submitter. Criteria: ACMG Guidelines, 2015. Collection method: clinical testing. Allele origin: unknown. Affected: yes. Not counted in ClinVar's aggregate classification.

CeGaT Center for Human Genetics Tuebingen
Classification: Pathogenic. Last evaluated: 2018-05-01. Review status: criteria provided, single submitter. Criteria: CeGaT Center For Human Genetics Tuebingen Variant Classification Criteria Version 2. Collection method: clinical testing. Allele origin: germline. Affected: yes. Observed: 2 variant alleles. Not counted in ClinVar's aggregate classification.

Institute of Human Genetics, Univ. Regensburg, Univ. Regensburg
Classification: Pathogenic for Severe early-childhood-onset retinal dystrophy. Last evaluated: 2016-01-01. Review status: criteria provided, single submitter. Criteria: Schulz et al. (Invest Ophthalmol Vis Sci. 2017). Collection method: clinical testing. Allele origin: germline. Affected: yes. Observed: 1 heterozygote. Not counted in ClinVar's aggregate classification.

Retina International
No classification provided. Review status: no classification provided. Collection method: not provided. Allele origin: not provided. Not counted in ClinVar's aggregate classification.

Literature cited by the submitters: PubMed 32531858 (cited by 3 submitters); PubMed 10958763 (cited by 3 submitters); PubMed 10958761 (cited by Labcorp Genetics (formerly Invitae), Labcorp); PubMed 24938718 (cited by Labcorp Genetics (formerly Invitae), Labcorp); PubMed 25312043 (cited by Labcorp Genetics (formerly Invitae), Labcorp); PubMed 26780318 (cited by Labcorp Genetics (formerly Invitae), Labcorp); PubMed 28559085 (cited by Labcorp Genetics (formerly Invitae), Labcorp and Institute of Human Genetics, Univ. Regensburg, Univ. Regensburg); PubMed 29555955 (cited by Labcorp Genetics (formerly Invitae), Labcorp and Institute of Human Genetics, Univ. Regensburg, Univ. Regensburg); PubMed 25525159 (cited by Institute of Human Genetics, Univ. Regensburg, Univ. Regensburg); PubMed 31589614 (cited by Institute of Human Genetics, Univ. Regensburg, Univ. Regensburg); PubMed 32307445 (cited by Institute of Human Genetics, Univ. Regensburg, Univ. Regensburg).